The following is an entry in ClinVar:

ClinVar aggregate classification (germline): Pathogenic (1 of 4 stars; one submission).

Submission:

Labcorp Genetics (formerly Invitae), Labcorp
Classification: Pathogenic. Last evaluated: 2022-03-10. Review status: criteria provided, single submitter. Criteria: Invitae Variant Classification Sherloc (09022015). Collection method: clinical testing. Allele origin: germline.
Comment: This variant is not present in population databases (gnomAD no frequency). This variant has not been reported in the literature in individuals affected with C8orf37-related conditions. This sequence change creates a premature translational stop signal (p.Leu100Profs*3) in the C8orf37 gene. It is expected to result in an absent or disrupted protein product. Loss-of-function variants in C8orf37 are known to be pathogenic (PMID: 22177090, 25802487, 26865426). For these reasons, this variant has been classified as Pathogenic.

Literature cited by the submitters: PubMed 22177090; PubMed 25802487; PubMed 26865426.

NM_177965.4(CFAP418):c.298dup (p.Leu100fs)

Gene: CFAP418 (cilia and flagella associated protein 418; minus strand). Cytogenetic location: 8q22.1.
Variant type: Duplication.
Coding change: c.298dup on transcript NM_177965.4 (MANE Select); coding-DNA position 298, one base duplicated (C; older notation c.298dupC).
Protein change: p.Leu100fs; shifts the reading frame from leucine 100.
Molecular consequence: frameshift variant.
Genome position (GRCh38, 1-based): chr8:95,260,478, G duplicated on the plus strand (C on the coding strand, the reverse complement: CFAP418 is on the minus strand); the first of 2 consecutive G bases (chr8:95,260,478-95,260,479); duplicating either gives the same sequence. VCF-style (leftmost placement, unchanged base first): chr8-95260477-A-AG. GRCh37 (hg19) VCF-style: chr8-96272705-A-AG.
Other names: c.298dup, p.Leu100fs (NM_001363260.1); short protein forms L100fs.
Identifiers: ClinVar variation 1681132 (VCV001681132.6), dbSNP rs2132161816, ClinGen allele CA2573143398.
Genomic context (GRCh38, chr8:95,260,477, plus strand): 5'-ATAGTGTTTGCTCAATAGTGTGTATAATTCACCAAAGCAATCTCAACTTACCTTTTACCA[A>AG]GGCCTTCAATGGAAGCTCTGACAGATGTGTTACCTGAAGATTTAGATTTTAATTTCTGTT-3'